The following is an entry in ClinVar:

ClinVar aggregate classification (germline): Uncertain significance. Review status: criteria provided, multiple submitters, no conflicts (2 of 4 stars). 2 submissions from 2 submitters: Uncertain significance (2). Last evaluated 2022-07-19.

Conditions:
Hennekam lymphangiectasia-lymphedema syndrome 1 (HKLLS1). Also called: LYMPHATIC DYSPLASIA, GENERALIZED. Identifiers: Orphanet 2136, MedGen C4012050, MONDO:0009337, OMIM 235510.

Allele frequency attached by ClinVar (database versions not stated): gnomAD 0.00005 and 0.00006; TOPMed 0.00006; ESP Exome Variant Server 0.00008; 1000 Genomes Project 0.00040; 1000 Genomes Project 30x 0.00047.
gnomAD v4.1: 96 of 1,614,168 alleles (0.0059%); highest among the groups gnomAD compares: Middle Eastern, 0.033%; no homozygotes.

Submissions (2):

Labcorp Genetics (formerly Invitae), Labcorp
Classification: Uncertain significance. Last evaluated: 2022-07-19. Review status: criteria provided, single submitter. Criteria: Invitae Variant Classification Sherloc (09022015). Collection method: clinical testing. Allele origin: germline.
Comment: This sequence change replaces alanine, which is neutral and non-polar, with glycine, which is neutral and non-polar, at codon 96 of the CCBE1 protein (p.Ala96Gly). The frequency data for this variant in the population databases is considered unreliable, as metrics indicate poor data quality at this position in the gnomAD database. This variant has not been reported in the literature in individuals affected with CCBE1-related conditions. ClinVar contains an entry for this variant (Variation ID: 888653). Algorithms developed to predict the effect of missense changes on protein structure and function are either unavailable or do not agree on the potential impact of this missense change (SIFT: "Deleterious"; PolyPhen-2: "Probably Damaging"; Align-GVGD: "Class C0"). In summary, the available evidence is currently insufficient to determine the role of this variant in disease. Therefore, it has been classified as a Variant of Uncertain Significance.

Illumina Laboratory Services, Illumina
Classification: Uncertain significance for Hennekam lymphangiectasia-lymphedema syndrome 1. Last evaluated: 2018-01-12. Review status: criteria provided, single submitter. Criteria: ICSL Variant Classification Criteria 13 December 2019. Collection method: clinical testing. Allele origin: germline.

NM_133459.4(CCBE1):c.287C>G (p.Ala96Gly)

Gene: CCBE1 (collagen and calcium binding EGF domains 1; minus strand). Cytogenetic location: 18q21.32.
Variant type: single nucleotide variant.
Coding change: c.287C>G on transcript NM_133459.4 (MANE Select); coding-DNA position 287, C replaced by G.
Protein change: p.Ala96Gly; replaces alanine 96 with glycine.
Molecular consequence: missense variant.
Genome position (GRCh38, 1-based): chr18:59,469,586, G>C on the plus strand (C>G on the coding strand, the complement: CCBE1 is on the minus strand). VCF-style: chr18-59469586-G-C. GRCh37 (hg19) VCF-style: chr18-57136818-G-C.
Other names: short protein forms A96G.
Identifiers: ClinVar variation 888653 (VCV000888653.6), dbSNP rs149792489, ClinGen allele CA8980546.